The following is an entry in ClinVar:

NM_001042492.3(NF1):c.5461G>C (p.Val1821Leu)

Gene: NF1 (neurofibromin 1; plus strand). Cytogenetic location: 17q11.2.
Variant type: single nucleotide variant.
Coding change: c.5461G>C on transcript NM_001042492.3 (MANE Select); coding-DNA position 5461, G replaced by C.
Protein change: p.Val1821Leu; replaces valine 1821 with leucine.
Molecular consequence: missense variant.
Genome position (GRCh38, 1-based): chr17:31,327,691, G>C. VCF-style: chr17-31327691-G-C. GRCh37 (hg19) VCF-style: chr17-29654709-G-C.
Other names: c.5398G>C, p.Val1800Leu (NM_000267.4); short protein forms V1821L, V1800L.
Identifiers: ClinVar variation 825698 (VCV000825698.13), dbSNP rs1597832135, ClinGen allele CA399009495.

ClinVar aggregate classification (germline): Uncertain significance. Review status: criteria provided, multiple submitters, no conflicts (2 of 4 stars). 3 submissions from 3 submitters: Uncertain significance (3). Last evaluated 2025-08-08.

Conditions:
Hereditary cancer-predisposing syndrome. Also called: Neoplastic Syndromes, Hereditary; Hereditary Cancer Syndrome; Hereditary neoplastic syndrome; Tumor predisposition. Identifiers: Orphanet 140162, MedGen C0027672, MeSH D009386, MONDO:0015356.
Cardiovascular phenotype. Identifiers: MedGen CN230736.
Neurofibromatosis, type 1 (NF1). Also called: Neurofibromatosis, type I; Peripheral type neurofibromatosis; VON RECKLINGHAUSEN DISEASE; NEUROFIBROMATOSIS, TYPE I, SOMATIC. Identifiers: Orphanet 636, MedGen C0027831, MONDO:0018975, OMIM 162200. Disease mechanism: loss of function.

Submissions (3):

Ambry Genetics
Classification: Uncertain significance for Cardiovascular phenotype; Hereditary cancer-predisposing syndrome. Last evaluated: 2025-08-08. Review status: criteria provided, single submitter. Criteria: Ambry Variant Classification Scheme 2023. Collection method: clinical testing. Allele origin: germline.
Comment: The p.V1800L variant (also known as c.5398G>C), located in coding exon 37 of the NF1 gene, results from a G to C substitution at nucleotide position 5398. The valine at codon 1800 is replaced by leucine, an amino acid with highly similar properties. This amino acid position is highly conserved in available vertebrate species. In addition, this alteration is predicted to be deleterious by in silico analysis. Since supporting evidence is limited at this time, the clinical significance of this alteration remains unclear.

Labcorp Genetics (formerly Invitae), Labcorp
Classification: Uncertain significance for Neurofibromatosis, type 1. Last evaluated: 2024-05-22. Review status: criteria provided, single submitter. Criteria: Invitae Variant Classification Sherloc (09022015). Collection method: clinical testing. Allele origin: germline.
Comment: This sequence change replaces valine, which is neutral and non-polar, with leucine, which is neutral and non-polar, at codon 1800 of the NF1 protein (p.Val1800Leu). This variant is not present in population databases (gnomAD no frequency). This variant has not been reported in the literature in individuals affected with NF1-related conditions. ClinVar contains an entry for this variant (Variation ID: 825698). Advanced modeling of protein sequence and biophysical properties (such as structural, functional, and spatial information, amino acid conservation, physicochemical variation, residue mobility, and thermodynamic stability) performed at Invitae indicates that this missense variant is expected to disrupt NF1 protein function with a positive predictive value of 95%. In summary, the available evidence is currently insufficient to determine the role of this variant in disease. Therefore, it has been classified as a Variant of Uncertain Significance.

Genome-Nilou Lab
Classification: Uncertain significance for Neurofibromatosis, type 1. Last evaluated: 2022-03-15. Review status: criteria provided, single submitter. Criteria: ACMG Guidelines, 2015. Collection method: clinical testing. Allele origin: germline. Affected: no.